The following is an entry in ClinVar:

ClinVar aggregate classification (germline): Likely benign (1 of 4 stars; one submission).

gnomAD v4.1: 23 of 1,561,270 alleles (0.0015%); highest among the groups gnomAD compares: Admixed American, 0.017%; no homozygotes.

Submission:

CeGaT Center for Human Genetics Tuebingen
Classification: Likely benign. Last evaluated: 2025-07-01. Review status: criteria provided, single submitter. Criteria: CeGaT Center For Human Genetics Tuebingen Variant Classification Criteria Version 2. Collection method: clinical testing. Allele origin: germline. Affected: yes. Observed: 1 variant allele.
Comment: SHANK1: BP4, BP7

NM_016148.5(SHANK1):c.1032C>T (p.Asn344=)

Gene: SHANK1 (SH3 and multiple ankyrin repeat domains 1; minus strand). Cytogenetic location: 19q13.33.
Variant type: single nucleotide variant.
Coding change: c.1032C>T on transcript NM_016148.5 (MANE Select); coding-DNA position 1032, C replaced by T.
Protein change: p.Asn344=; no amino-acid change (asparagine 344 retained).
Molecular consequence: synonymous variant.
Genome position (GRCh38, 1-based): chr19:50,711,416, G>A on the plus strand (C>T on the coding strand, the complement: SHANK1 is on the minus strand). VCF-style: chr19-50711416-G-A. GRCh37 (hg19) VCF-style: chr19-51214673-G-A.
Identifiers: ClinVar variation 4083535 (VCV004083535.8).